The following is an entry in ClinVar:

ClinVar aggregate classification (germline): Conflicting classifications of pathogenicity. Review status: criteria provided, conflicting classifications (1 of 4 stars). 4 submissions from 4 submitters: Pathogenic (1); Likely pathogenic (1); Uncertain significance (2). Last evaluated 2026-09-08.

Conditions:
Fabry disease. Also called: Ceramide trihexosidosis; GLA DEFICIENCY; HEREDITARY DYSTOPIC LIPIDOSIS; Angiokeratoma corporis diffusum; Fabry's disease; ALPHA-GALACTOSIDASE A DEFICIENCY. Identifiers: Orphanet 324, MedGen C0002986, MONDO:0010526, OMIM 301500, HP:0001071. Disease mechanism: Fabry disease is due to inactivating mutations in the X-linked GLA gene resulting in deficiency of the enzyme Alpha Galactosidase-A., loss of function.

Submissions (4):

Genomenon, Inc
Classification: Uncertain significance for Fabry disease. Last evaluated: 2026-09-08. Review status: criteria provided, single submitter. Criteria: Genomenon Sequence Variant Interpretation Standards - Updated. Collection method: curation. Allele origin: germline. Affected: yes.
Comment: GLA p.Leu300Phe (c.898C>T) is a missense variant that changes the amino acid at codon 300 from Leucine to Phenylalanine. This variant has been observed in at least one proband with clinical features consistent with Fabry disease (PMID:15712228). Functional or patient cell studies have been reported (PMID:36674610;27788225;32777123;22004918;35563496;24361605;27657681). It is absent or not present at a significant frequency in gnomAD. In silico models predict that this variant is possibly or probably damaging. In conclusion, we classify GLA p.Leu300Phe (c.898C>T) as a variant of uncertain significance.

Genetics Laboratory, Great Ormond Street Hospital NHS Foundation Trust, North Thames Genomic Laboratory Hub
Classification: Pathogenic for Fabry disease. Last evaluated: 2025-08-01. Review status: criteria provided, single submitter. Criteria: ACGS Best Practice Guidelines for Variant Classification in Rare Disease 2024 v1.2. Collection method: clinical testing. Allele origin: germline. Affected: yes.
Comment: PS4_moderate, PM2_moderate, PP3_supporting, PM5_moderate, PS3_supporting, PP4_strong

Labcorp Genetics (formerly Invitae), Labcorp
Classification: Uncertain significance for Fabry disease. Last evaluated: 2023-10-08. Review status: criteria provided, single submitter. Criteria: Invitae Variant Classification Sherloc (09022015). Collection method: clinical testing. Allele origin: germline.
Comment: This sequence change replaces leucine, which is neutral and non-polar, with phenylalanine, which is neutral and non-polar, at codon 300 of the GLA protein (p.Leu300Phe). This variant is not present in population databases (gnomAD no frequency). This missense change has been observed in individual(s) with Fabry disease (PMID: 15712228). ClinVar contains an entry for this variant (Variation ID: 1324465). Advanced modeling of protein sequence and biophysical properties (such as structural, functional, and spatial information, amino acid conservation, physicochemical variation, residue mobility, and thermodynamic stability) performed at Invitae indicates that this missense variant is expected to disrupt GLA protein function. Experimental studies have shown that this missense change affects GLA function (PMID: 22004918). This variant disrupts the p.Leu300 amino acid residue in GLA. Other variant(s) that disrupt this residue have been determined to be pathogenic (PMID: 18698230, 19387866, 21598360, 22004918, 28728877). This suggests that this residue is clinically significant, and that variants that disrupt this residue are likely to be disease-causing. In summary, the available evidence is currently insufficient to determine the role of this variant in disease. Therefore, it has been classified as a Variant of Uncertain Significance.

Revvity Omics, Revvity
Classification: Likely pathogenic. Last evaluated: 2023-08-03. Review status: criteria provided, single submitter. Criteria: ACMG Guidelines, 2015. Collection method: clinical testing. Allele origin: germline.

Literature cited by the submitters: PubMed 15712228 (cited by Genomenon, Inc and Labcorp Genetics (formerly Invitae), Labcorp); PubMed 36674610 (cited by Genomenon, Inc); PubMed 27788225 (cited by Genomenon, Inc); PubMed 32777123 (cited by Genomenon, Inc); PubMed 22004918 (cited by Genomenon, Inc and Labcorp Genetics (formerly Invitae), Labcorp); PubMed 35563496 (cited by Genomenon, Inc); PubMed 24361605 (cited by Genomenon, Inc); PubMed 27657681 (cited by Genomenon, Inc); PubMed 18698230 (cited by Labcorp Genetics (formerly Invitae), Labcorp); PubMed 19387866 (cited by Labcorp Genetics (formerly Invitae), Labcorp); PubMed 21598360 (cited by Labcorp Genetics (formerly Invitae), Labcorp); PubMed 28728877 (cited by Labcorp Genetics (formerly Invitae), Labcorp).

NM_000169.3(GLA):c.898C>T (p.Leu300Phe)

Genes: GLA (galactosidase alpha; minus strand), RPL36A-HNRNPH2 (RPL36A-HNRNPH2 readthrough; plus strand). Cytogenetic location: Xq22.1.
Variant type: single nucleotide variant.
Coding change: c.898C>T on transcript NM_000169.3 (MANE Select); coding-DNA position 898, C replaced by T.
Protein change: p.Leu300Phe; replaces leucine 300 with phenylalanine.
Molecular consequence: missense variant. On other transcripts: non-coding transcript variant (3), intron variant (2).
Genome position (GRCh38, 1-based): chrX:101,398,471, G>A on the plus strand (C>T on the coding strand, the complement: GLA is on the minus strand). VCF-style: chrX-101398471-G-A. GRCh37 (hg19) VCF-style: chrX-100653459-G-A.
Other names: c.1021C>T, p.Leu341Phe (NM_001406747.1); c.898C>T, p.Leu300Phe (NM_001406748.1); c.300+3014G>A (NM_001199973.2); c.177+6649G>A (NM_001199974.2); short protein forms L300F, L341F.
Identifiers: ClinVar variation 1324465 (VCV001324465.10), dbSNP rs2147472132, ClinGen allele CA413922271.